The following is an entry in ClinVar:

NM_014053.4(FLVCR1):c.*2709T>C

Gene: FLVCR1 (FLVCR choline and heme transporter 1; plus strand). Cytogenetic location: 1q32.3.
Variant type: single nucleotide variant.
Coding change: c.*2709T>C on transcript NM_014053.4 (MANE Select); 2709 bases downstream of the stop codon, T replaced by C.
Molecular consequence: 3 prime UTR variant.
Genome position (GRCh38, 1-based): chr1:212,897,999, T>C. VCF-style: chr1-212897999-T-C. GRCh37 (hg19) VCF-style: chr1-213071341-T-C.
Identifiers: ClinVar variation 295386 (VCV000295386.6), dbSNP rs1284855, ClinGen allele CA10609001.

ClinVar aggregate classification (germline): Benign. Review status: criteria provided, multiple submitters, no conflicts (2 of 4 stars). 2 submissions from 2 submitters: Benign (2). Last evaluated 2018-01-12.

Conditions:
Posterior column ataxia-retinitis pigmentosa syndrome (RETSNS). Also called: RETINOPATHY-SENSORY NEUROPATHY SYNDROME. Identifiers: Orphanet 88628, MedGen C1836916, MONDO:0012177, OMIM 609033.

Allele frequency attached by ClinVar (database versions not stated): gnomAD 0.42342 and 0.42731; TOPMed 0.45612; 1000 Genomes Project 30x 0.48298; 1000 Genomes Project 0.47504.

Submissions (2):

Illumina Laboratory Services, Illumina
Classification: Benign for Posterior column ataxia-retinitis pigmentosa syndrome. Last evaluated: 2018-01-12. Review status: criteria provided, single submitter. Criteria: ICSL Variant Classification Criteria 13 December 2019. Collection method: clinical testing. Allele origin: germline.
Comment: This variant was observed in the ICSL laboratory as part of a predisposition screen in an ostensibly healthy population. It had not been previously curated by ICSL or reported in the Human Gene Mutation Database (HGMD: prior to June 1st, 2018), and was therefore a candidate for classification through an automated scoring system. Utilizing variant allele frequency, disease prevalence and penetrance estimates, and inheritance mode, an automated score was calculated to assess if this variant is too frequent to cause the disease. Based on the score and internal cut-off values, a variant classified as benign is not then subjected to further curation. The score for this variant resulted in a classification of benign for this disease.

Breakthrough Genomics
Classification: Benign. Review status: criteria provided, single submitter. Criteria: ACMG Guidelines, 2015. Collection method: not provided. Allele origin: germline. Inheritance: Autosomal recessive inheritance. Affected: yes.